The following is an entry in ClinVar:

ClinVar aggregate classification (germline): Likely benign. Review status: criteria provided, single submitter (1 of 4 stars). 2 submissions from 2 submitters: Likely benign (1). 1 of the submissions does not count toward it. Last evaluated 2026-01-05.

Conditions:
MMP13-related disorder. Also called: MMP13-related condition; MMP13-related disorders.

Allele frequency attached by ClinVar (database versions not stated): ExAC 0.00002; gnomAD 0.00006; TOPMed 0.00006; gnomAD exomes 0.00009.
gnomAD v4.1: 140 of 1,603,618 alleles (0.0087%); highest among the groups gnomAD compares: Non-Finnish European, 0.011%; no homozygotes.

Submissions (2):

Labcorp Genetics (formerly Invitae), Labcorp
Classification: Likely benign. Last evaluated: 2026-01-05. Review status: criteria provided, single submitter. Criteria: Invitae Variant Classification Sherloc (09022015). Collection method: clinical testing. Allele origin: germline.

PreventionGenetics, part of Exact Sciences
Classification: Likely benign for MMP13-related condition. Last evaluated: 2020-03-30. Review status: no assertion criteria provided. Collection method: clinical testing. Allele origin: germline. Not counted in ClinVar's aggregate classification.
Comment: This variant is classified as likely benign based on ACMG/AMP sequence variant interpretation guidelines (Richards et al. 2015 PMID: 25741868, with internal and published modifications).

NM_002427.4(MMP13):c.1272C>T (p.Phe424=)

Gene: MMP13 (matrix metallopeptidase 13; minus strand). Cytogenetic location: 11q22.2.
Variant type: single nucleotide variant.
Coding change: c.1272C>T on transcript NM_002427.4 (MANE Select); coding-DNA position 1272, C replaced by T.
Protein change: p.Phe424=; no amino-acid change (phenylalanine 424 retained).
Molecular consequence: synonymous variant.
Genome position (GRCh38, 1-based): chr11:102,945,689, G>A on the plus strand (C>T on the coding strand, the complement: MMP13 is on the minus strand). VCF-style: chr11-102945689-G-A. GRCh37 (hg19) VCF-style: chr11-102816418-G-A.
Other names: c.1272C>T (NM_002427.3).
Identifiers: ClinVar variation 2914546 (VCV002914546.5), dbSNP rs782542049, ClinGen allele CA6251726.